The following is an entry in ClinVar:

ClinVar aggregate classification (germline): Uncertain significance (1 of 4 stars; one submission).

Conditions:
Inborn genetic diseases. Identifiers: MedGen C0950123, MeSH D030342.

Submission:

Ambry Genetics
Classification: Uncertain significance for Inborn genetic diseases. Last evaluated: 2025-04-18. Review status: criteria provided, single submitter. Criteria: Ambry Variant Classification Scheme 2023. Collection method: clinical testing. Allele origin: germline.
Comment: The p.P94A variant (also known as c.280C>G), located in coding exon 5 of the ASXL1 gene, results from a C to G substitution at nucleotide position 280. The proline at codon 94 is replaced by alanine, an amino acid with highly similar properties. This amino acid position is conserved. In addition, this alteration is predicted to be tolerated by in silico analysis. Based on the available evidence, the clinical significance of this variant remains unclear.

NM_015338.6(ASXL1):c.280C>G (p.Pro94Ala)

Gene: ASXL1 (ASXL transcriptional regulator 1; plus strand). Cytogenetic location: 20q11.21.
Variant type: single nucleotide variant.
Coding change: c.280C>G on transcript NM_015338.6 (MANE Select); coding-DNA position 280, C replaced by G.
Protein change: p.Pro94Ala; replaces proline 94 with alanine.
Molecular consequence: missense variant.
Genome position (GRCh38, 1-based): chr20:32,428,155, C>G. VCF-style: chr20-32428155-C-G. GRCh37 (hg19) VCF-style: chr20-31015958-C-G.
Other names: c.250C>G, p.Pro84Ala (NM_001363734.1); short protein forms P84A, P94A.
Identifiers: ClinVar variation 3956257 (VCV003956257.1).